The following is an entry in ClinVar:

ClinVar aggregate classification (germline): Uncertain significance (1 of 4 stars; one submission).

Conditions:
Atrial standstill 1 (ATRST1). Also called: Atrial standstill, digenic (GJA5/SCN5A); ATRIAL CARDIOMYOPATHY WITH HEART BLOCK; CARDIOMYOPATHY, FAMILIAL, WITH CONDUCTION DISTURBANCE. Identifiers: Orphanet 1344, MedGen C4551959, MONDO:0007171, OMIM 108770.
Atrial fibrillation, familial, 11 (ATFB11). Identifiers: MedGen C3279693, MONDO:0013544, OMIM 614049.

Allele frequency attached by ClinVar (database versions not stated): 1000 Genomes Project below 0.00001; gnomAD exomes below 0.00001.

Submission:

Labcorp Genetics (formerly Invitae), Labcorp
Classification: Uncertain significance for Atrial fibrillation, familial, 11; Atrial standstill 1. Last evaluated: 2021-08-03. Review status: criteria provided, single submitter. Criteria: Invitae Variant Classification Sherloc (09022015). Collection method: clinical testing. Allele origin: germline.
Comment: This variant is not present in population databases (ExAC no frequency). This sequence change replaces glutamic acid with aspartic acid at codon 137 of the GJA5 protein (p.Glu137Asp). The glutamic acid residue is moderately conserved and there is a small physicochemical difference between glutamic acid and aspartic acid. In summary, the available evidence is currently insufficient to determine the role of this variant in disease. Therefore, it has been classified as a Variant of Uncertain Significance. Algorithms developed to predict the effect of missense changes on protein structure and function (SIFT, PolyPhen-2, Align-GVGD) all suggest that this variant is likely to be tolerated, but these predictions have not been confirmed by published functional studies and their clinical significance is uncertain. This variant has not been reported in the literature in individuals with GJA5-related disease.

NM_181703.4(GJA5):c.411G>T (p.Glu137Asp)

Gene: GJA5 (gap junction protein alpha 5; minus strand). Cytogenetic location: 1q21.2.
Variant type: single nucleotide variant.
Coding change: c.411G>T on transcript NM_181703.4 (MANE Select); coding-DNA position 411, G replaced by T.
Protein change: p.Glu137Asp; replaces glutamic acid 137 with aspartic acid.
Molecular consequence: missense variant.
Genome position (GRCh38, 1-based): chr1:147,758,828, C>A on the plus strand (G>T on the coding strand, the complement: GJA5 is on the minus strand). VCF-style: chr1-147758828-C-A. GRCh37 (hg19) VCF-style: chr1-147230936-C-A.
Other names: c.411G>T, p.Glu137Asp (NM_005266.7); short protein forms E137D.
Identifiers: ClinVar variation 645730 (VCV000645730.7), dbSNP rs200288659, ClinGen allele CA342396370.
Genomic context (GRCh38, chr1:147,758,828, plus strand): 5'-GATGCTGCACACATAGGTGTTGAGCAGAGTGCCCTGGAGGGCAATCCTTCCATTCCCTTC[C>A]TCCCAGCAGGACAGTTCTGCCTTCTCTGCCACCGGGTACTCGTAAGAGCCAGAGCCCCGG-3'
Protein context (NP_859054.1, residues 127-147): VAEKAELSCW[Glu137Asp]EGNGRIALQG